The following is an entry in ClinVar:

NM_021942.6(TRAPPC11):c.254G>A (p.Trp85Ter)

Gene: TRAPPC11 (trafficking protein particle complex subunit 11; plus strand). Cytogenetic location: 4q35.1.
Variant type: single nucleotide variant.
Coding change: c.254G>A on transcript NM_021942.6 (MANE Select); coding-DNA position 254, G replaced by A.
Protein change: p.Trp85Ter; replaces tryptophan 85 with a stop codon.
Molecular consequence: nonsense.
Genome position (GRCh38, 1-based): chr4:183,666,306, G>A. VCF-style: chr4-183666306-G-A. GRCh37 (hg19) VCF-style: chr4-184587459-G-A.
Other names: c.254G>A, p.Trp85Ter (NM_199053.3); short protein forms W85*.
Identifiers: ClinVar variation 4775351 (VCV004775351.1).

ClinVar aggregate classification (germline): Pathogenic (1 of 4 stars; one submission).

Conditions:
Autosomal recessive limb-girdle muscular dystrophy type R18 (LGMDR18). Also called: Limb-girdle muscular dystrophy, type 2S; MUSCULAR DYSTROPHY, LIMB-GIRDLE, AUTOSOMAL RECESSIVE 18; Autosomal recessive limb-girdle muscular dystrophy type 2S. Identifiers: Orphanet 369840, MedGen C4517996, MONDO:0014144, OMIM 615356.

gnomAD v4.1: 1 of 1,614,150 alleles (0.000062%); no homozygotes.

Submission:

Labcorp Genetics (formerly Invitae), Labcorp
Classification: Pathogenic for Autosomal recessive limb-girdle muscular dystrophy type R18. Last evaluated: 2025-09-03. Review status: criteria provided, single submitter. Criteria: Invitae Variant Classification Sherloc (09022015). Collection method: clinical testing. Allele origin: germline.
Comment: This sequence change creates a premature translational stop signal (p.Trp85*) in the TRAPPC11 gene. It is expected to result in an absent or disrupted protein product. Loss-of-function variants in TRAPPC11 are known to be pathogenic (PMID: 23830518, 26322222). This variant is not present in population databases (gnomAD no frequency). This variant has not been reported in the literature in individuals affected with TRAPPC11-related conditions. Algorithms developed to predict the effect of sequence changes on RNA splicing suggest that this variant may disrupt the consensus splice site. For these reasons, this variant has been classified as Pathogenic.

Literature cited by the submitters: PubMed 23830518; PubMed 26322222.